The following is an entry in ClinVar:

NM_007194.4(CHEK2):c.909-7G>A

Gene: CHEK2 (checkpoint kinase 2; minus strand). Cytogenetic location: 22q12.1.
Variant type: single nucleotide variant.
Coding change: c.909-7G>A on transcript NM_007194.4 (MANE Select); 7 bases into the intron before coding-DNA position 909, G replaced by A.
Molecular consequence: intron variant.
Genome position (GRCh38, 1-based): chr22:28,699,944, C>T on the plus strand (G>A on the coding strand, the complement: CHEK2 is on the minus strand). VCF-style: chr22-28699944-C-T. GRCh37 (hg19) VCF-style: chr22-29095932-C-T.
Other names: c.246-7G>A (NM_001437942.1, NM_001257387.3); c.708-7G>A (NM_001349956.3); c.909-7G>A (NM_145862.3); c.1002-7G>A (NM_001438295.1, NM_001438293.1); c.1038-7G>A (NM_001438294.1, NM_001005735.3).
Identifiers: ClinVar variation 1149267 (VCV001149267.11), dbSNP rs2145845433, ClinGen allele CA2499226073.

ClinVar aggregate classification (germline): Likely benign. Review status: criteria provided, multiple submitters, no conflicts (2 of 4 stars). 2 submissions from 2 submitters: Likely benign (2). Last evaluated 2024-10-04.

Conditions:
Familial cancer of breast. Also called: Hereditary breast cancer; hereditary breast carcinoma; BREAST CANCER, FAMILIAL. Identifiers: Orphanet 227535, MedGen C0346153, MONDO:0016419, OMIM 114480. Disease mechanism: loss of function.

Submissions (2):

Myriad Genetics, Inc.
Classification: Likely benign for Familial cancer of breast. Last evaluated: 2024-10-04. Review status: criteria provided, single submitter. Criteria: Myriad Autosomal Dominant, Autosomal Recessive and X-Linked Classification Criteria (2023). Collection method: clinical testing. Allele origin: unknown.
Comment: This variant is considered likely benign. This variant is intronic and is not expected to impact mRNA splicing.

Labcorp Genetics (formerly Invitae), Labcorp
Classification: Likely benign for Familial cancer of breast. Last evaluated: 2021-11-17. Review status: criteria provided, single submitter. Criteria: Invitae Variant Classification Sherloc (09022015). Collection method: clinical testing. Allele origin: germline.